The following is an entry in ClinVar:

ClinVar aggregate classification (germline): Likely benign (0 of 4 stars; one submission).

Conditions:
RAC3-related disorder. Also called: RAC3-related condition.

Allele frequency attached by ClinVar (database versions not stated): gnomAD exomes 0.00002; ExAC 0.00003; 1000 Genomes Project 30x 0.00016; gnomAD 0.00018; TOPMed 0.00019; 1000 Genomes Project 0.00020; ESP Exome Variant Server 0.00023.

Submission:

PreventionGenetics, part of Exact Sciences
Classification: Likely benign for RAC3-related condition. Last evaluated: 2019-06-20. Review status: no assertion criteria provided. Collection method: clinical testing. Allele origin: germline.
Comment: This variant is classified as likely benign based on ACMG/AMP sequence variant interpretation guidelines (Richards et al. 2015 PMID: 25741868, with internal and published modifications).

NM_005052.3(RAC3):c.235C>T (p.Leu79=)

Gene: RAC3 (Rac family small GTPase 3; plus strand). Cytogenetic location: 17q25.3.
Variant type: single nucleotide variant.
Coding change: c.235C>T on transcript NM_005052.3 (MANE Select); coding-DNA position 235, C replaced by T.
Protein change: p.Leu79=; no amino-acid change (leucine 79 retained).
Molecular consequence: synonymous variant.
Genome position (GRCh38, 1-based): chr17:82,032,956, C>T. VCF-style: chr17-82032956-C-T. GRCh37 (hg19) VCF-style: chr17-79990832-C-T.
Other names: c.235C>T, p.Leu79= (NM_001316307.2).
Identifiers: ClinVar variation 3034130 (VCV003034130.2), dbSNP rs201084301, ClinGen allele CA8848350.
Genomic context (GRCh38, chr17:82,032,956, plus strand): 5'-GGGCCCTGGGGAGCCCCTGACCACTCCACCAGGTCCCACCTTTTTCCCAAGGACGTCTTT[C>T]TGATCTGCTTCTCTCTGGTGAGCCCGGCCTCCTTCGAGAATGTTCGTGCCAAGGTAGGGC-3'
Protein context (NP_005043.1, residues 69-89): PLSYPQTDVF[Leu79=]ICFSLVSPAS